The following is an entry in ClinVar:

ClinVar aggregate classification (germline): Uncertain significance. Review status: criteria provided, multiple submitters, no conflicts (2 of 4 stars). 2 submissions from 2 submitters: Uncertain significance (2). Last evaluated 2025-02-24.

Conditions:
Aortic aneurysm, familial thoracic 7 (AAT7). Also called: AORTIC DISSECTION, FAMILIAL, WITH OR WITHOUT AORTIC ANEURYSM. Identifiers: MedGen C3151077, MONDO:0013418, OMIM 613780.

Submissions (2):

Labcorp Genetics (formerly Invitae), Labcorp
Classification: Uncertain significance for Aortic aneurysm, familial thoracic 7. Last evaluated: 2025-02-24. Review status: criteria provided, single submitter. Criteria: Invitae Variant Classification Sherloc (09022015). Collection method: clinical testing. Allele origin: germline.
Comment: This sequence change creates a premature translational stop signal (p.Glu1914*) in the MYLK gene. While this is not anticipated to result in nonsense mediated decay, it is expected to disrupt the last 1 amino acid(s) of the MYLK protein. This variant is not present in population databases (gnomAD no frequency). This variant has not been reported in the literature in individuals affected with MYLK-related conditions. ClinVar contains an entry for this variant (Variation ID: 1009254). Experimental studies and prediction algorithms are not available or were not evaluated, and the functional significance of this variant is currently unknown. In summary, the available evidence is currently insufficient to determine the role of this variant in disease. Therefore, it has been classified as a Variant of Uncertain Significance.

GeneDx
Classification: Uncertain significance. Last evaluated: 2022-04-28. Review status: criteria provided, single submitter. Criteria: GeneDx Variant Classification Process June 2021. Collection method: clinical testing. Allele origin: germline. Affected: yes.
Comment: Not observed at significant frequency in large population cohorts (gnomAD); In-frame deletion of one amino acid within a repetitive region; Has not been previously published as pathogenic or benign to our knowledge

NM_053025.4(MYLK):c.5736AGA[1] (p.Glu1914del)

Genes: MYLK-AS1 (MYLK antisense RNA 1; plus strand), MYLK (myosin light chain kinase; minus strand). Cytogenetic location: 3q21.1.
Variant type: Microsatellite.
Coding change: c.5736AGA[1] on transcript NM_053025.4 (MANE Select); one copy of the 3-base unit AGA starting at c.5736; the reference has two copies in a row; one copy, 3 bases deleted.
Protein change: p.Glu1914del; deletes glutamic acid 1914.
Molecular consequence: inframe deletion.
Genome position (GRCh38, 1-based): chr3:123,614,109-123,614,111, TCT deleted on the plus strand (AGA on the coding strand, the reverse complement: MYLK is on the minus strand); deleting any 3 consecutive bases within chr3:123,614,109-123,614,116 gives the same sequence; the position shown is the placement nearest the transcript's 3' end. VCF-style (leftmost placement, unchanged base first): chr3-123614108-CTCT-C. GRCh37 (hg19) VCF-style: chr3-123332955-CTCT-C.
Other names: c.5208AGA[1], p.Glu1738del (NM_001321309.2); c.5529AGA[1], p.Glu1845del (NM_053026.4); c.5583AGA[1], p.Glu1863del (NM_053027.4); c.5376AGA[1], p.Glu1794del (NM_053028.4); c.453AGA[1], p.Glu153del (NM_053031.4); c.456AGA[1], p.Glu154del (NM_053032.4); short protein forms E153del, E154del, E1738del, E1794del, E1845del, E1863del, E1914del.
Identifiers: ClinVar variation 1009254 (VCV001009254.9), dbSNP rs974109787, ClinGen allele CA16622003.
Genomic context (GRCh38, chr3:123,614,108, plus strand): 5'-TTTTAGAGAAATAGTCCTTTTAATATGACTTAGAAACTGCTTTTCTCTGGCTTTGTTTCA[CTCT>C]TCTTCCTCTTCCCCTTCCCCTTCACCTTCCTCCATCGTTTCCACAATGAGCTCTGCTGTG-3'